The following is an entry in ClinVar:

NM_006012.4(CLPP):c.636C>T (p.His212=)

Gene: CLPP (caseinolytic mitochondrial matrix peptidase proteolytic subunit; plus strand). Cytogenetic location: 19p13.3.
Variant type: single nucleotide variant.
Coding change: c.636C>T on transcript NM_006012.4 (MANE Select); coding-DNA position 636, C replaced by T.
Protein change: p.His212=; no amino-acid change (histidine 212 retained).
Molecular consequence: synonymous variant.
Genome position (GRCh38, 1-based): chr19:6,366,338, C>T. VCF-style: chr19-6366338-C-T. GRCh37 (hg19) VCF-style: chr19-6366349-C-T.
Identifiers: ClinVar variation 4075567 (VCV004075567.1).

ClinVar aggregate classification (germline): Uncertain significance (1 of 4 stars; one submission).

gnomAD v4.1: 23 of 1,612,122 alleles (0.0014%); highest among the groups gnomAD compares: African/African-American, 0.028%; no homozygotes.

Submission:

GeneDx
Classification: Uncertain significance. Last evaluated: 2025-02-12. Review status: criteria provided, single submitter. Criteria: GeneDx Variant Classification Process June 2021. Collection method: clinical testing. Allele origin: germline. Affected: yes.
Comment: In silico analysis indicates that this variant does not alter splicing; Has not been previously published as pathogenic or benign to our knowledge